The following is an entry in ClinVar:

NM_001174150.2(ARL13B):c.1025-17T>C

Gene: ARL13B (ADP ribosylation factor like GTPase 13B; plus strand). Cytogenetic location: 3q11.2.
Variant type: single nucleotide variant.
Coding change: c.1025-17T>C on transcript NM_001174150.2 (MANE Select); 17 bases into the intron before coding-DNA position 1025, T replaced by C.
Molecular consequence: intron variant.
Genome position (GRCh38, 1-based): chr3:94,049,389, T>C. VCF-style: chr3-94049389-T-C. GRCh37 (hg19) VCF-style: chr3-93768233-T-C.
Other names: c.980-17T>C (NM_001321328.2); c.1025-17T>C (NM_182896.3); c.716-17T>C (NM_001174151.2); c.704-17T>C (NM_144996.4).
Identifiers: ClinVar variation 510717 (VCV000510717.1), dbSNP rs1286731987, ClinGen allele CA658796347.
Genomic context (GRCh38, chr3:94,049,389, plus strand): 5'-TGTTGTATTCTTTGTTTTCTATTATAAAAGTGCACTTTTTCATAAAGACATGAAGTTTCA[T>C]GTTTATATTCTTGTAGCTAATGGTAAAAAGAAAACTAAGAAACTAAGAATGAAAAGGAAC-3'

ClinVar aggregate classification (germline): Likely benign (1 of 4 stars; one submission).

Allele frequency attached by ClinVar (database versions not stated): TOPMed below 0.00001 and 0.00001.

Submission:

GeneDx
Classification: Likely benign. Last evaluated: 2017-07-10. Review status: criteria provided, single submitter. Criteria: GeneDx Variant Classification (06012015). Collection method: clinical testing. Allele origin: germline. Affected: yes.
Comment: This variant is considered likely benign or benign based on one or more of the following criteria: it is a conservative change, it occurs at a poorly conserved position in the protein, it is predicted to be benign by multiple in silico algorithms, and/or has population frequency not consistent with disease.